The following is an entry in ClinVar:

ClinVar aggregate classification (germline): Uncertain significance (1 of 4 stars; one submission).

Conditions:
Inborn genetic diseases. Identifiers: MedGen C0950123, MeSH D030342.

Allele frequency attached by ClinVar (database versions not stated): ExAC 0.00002.
gnomAD v4.1: 9 of 1,613,920 alleles (0.00056%); highest among the groups gnomAD compares: Non-Finnish European, 0.00076%; no homozygotes.

Submission:

Ambry Genetics
Classification: Uncertain significance for Inborn genetic diseases. Last evaluated: 2019-12-12. Review status: criteria provided, single submitter. Criteria: Ambry Variant Classification Scheme 2023. Collection method: clinical testing. Allele origin: germline.
Comment: The c.5949+6T>C intronic variant results from a T to C substitution 6 nucleotides after coding exon 12 in the SETX gene. This nucleotide position is well conserved in available vertebrate species. In addition, the BDGP and ESEfinder in silico splicing models do not predict any significant effect on the native splice donor site; however experimental evidence is not currently available. Since supporting evidence is limited at this time, the clinical significance of this alteration remains unclear.

NM_015046.7(SETX):c.5949+6T>C

Gene: SETX (senataxin; minus strand). Cytogenetic location: 9q34.13.
Variant type: single nucleotide variant.
Coding change: c.5949+6T>C on transcript NM_015046.7 (MANE Select); 6 bases into the intron after coding-DNA position 5949, T replaced by C.
Molecular consequence: intron variant.
Genome position (GRCh38, 1-based): chr9:132,296,881, A>G on the plus strand (T>C on the coding strand, the complement: SETX is on the minus strand). VCF-style: chr9-132296881-A-G. GRCh37 (hg19) VCF-style: chr9-135172268-A-G.
Other names: c.5949+6T>C (NM_001351528.2, NM_001351527.2).
Identifiers: ClinVar variation 1750651 (VCV001750651.2), dbSNP rs769165762, ClinGen allele CA5296869.
Genomic context (GRCh38, chr9:132,296,881, plus strand): 5'-AGTTAACTCAAGTAAAGTAAAATGATACAGCTAGTTAACAGCATCAGTGCCCTCACCCAT[A>G]CCTACCTCTGTCAGTAGACGATAGAGGAGGCCAACAATAGTTTTTGATTTTCCTGTTCCA-3'